The following is an entry in ClinVar:

ClinVar aggregate classification (germline): Uncertain significance. Review status: reviewed by expert panel (3 of 4 stars). 2 submissions from 2 submitters: Uncertain significance (1). 1 of the submissions does not count toward it. Last evaluated 2025-07-24.

Conditions:
Monogenic diabetes. Identifiers: Orphanet 183625, MedGen C3888631, MONDO:0015967.
Maturity-onset diabetes of the young type 3. Also called: MODY type 3; MODY, type III. Identifiers: Orphanet 552, MedGen C1838100, MeSH C563933, MONDO:0010894, OMIM 600496. Disease mechanism: loss of function.

Allele frequency attached by ClinVar (database versions not stated): gnomAD exomes below 0.00001 and 0.00001; TOPMed below 0.00001; ExAC 0.00001.
gnomAD v4.1: 9 of 1,614,058 alleles (0.00056%); highest among the groups gnomAD compares: Non-Finnish European, 0.00076%; no homozygotes.

Submissions (2):

ClinGen Monogenic Diabetes Variant Curation Expert Panel
Classification: Uncertain significance for Monogenic diabetes. Last evaluated: 2025-07-24. Review status: reviewed by expert panel. Criteria: ClinGen Diabetes ACMG Specifications HNF1A V3.0.0. Collection method: curation. Allele origin: germline. Inheritance: Autosomal dominant inheritance.
Comment: The c.1265T>C variant in the HNF1 homeobox A gene, HNF1A, causes an amino acid change of leucine to proline at codon 422 (p.(Leu422Pro)) of NM_000545.8. The Grpmax filtering allele frequency of the c.1265T>C variant in gnomAD v4.1.0 is 0.0000036, which falls between ClinGen MDEP-established cutoffs for PM2_Supporting and BS1; thus, neither criterion will be applied. This variant has a REVEL score of 0.604, which is between the ClinGen MDEP thresholds for BP4 and PP3, predicting neither a damaging nor benign impact on HNF1A function. This variant was identified in an individual with diabetes; however, the MODY probability is unable to be calculated due to lack of clinical information (PMID: 30293189). In summary, c.1265T>C meets the criteria to be classified as a variant of uncertain significance for monogenic diabetes. ACMG/AMP criteria applied, as specified by the ClinGen MDEP (specification version 3.0.0, approved 6/30/2025): none.

Women's Health and Genetics/Laboratory Corporation of America, LabCorp
Classification: Likely pathogenic for MODY3. Last evaluated: 2011-08-18. Review status: criteria provided, single submitter. Criteria: LabCorp Variant Classification Summary - May 2015. Collection method: curation, clinical testing. Allele origin: germline. Inheritance: autosomal unknown. Affected: yes. Not counted in ClinVar's aggregate classification.
ClinVar note: Converted during submission from likely pathogenic to Likely pathogenic.

Literature cited by the submitters: PubMed 30293189 (cited by ClinGen Monogenic Diabetes Variant Curation Expert Panel).

NM_000545.8(HNF1A):c.1265T>C (p.Leu422Pro)

Gene: HNF1A (HNF1 homeobox A; plus strand). Cytogenetic location: 12q24.31.
Variant type: single nucleotide variant.
Coding change: c.1265T>C on transcript NM_000545.8 (MANE Select); coding-DNA position 1265, T replaced by C.
Protein change: p.Leu422Pro; replaces leucine 422 with proline.
Molecular consequence: missense variant.
Genome position (GRCh38, 1-based): chr12:120,996,698, T>C. VCF-style: chr12-120996698-T-C. GRCh37 (hg19) VCF-style: chr12-121434501-T-C.
Other names: NM_000545.6(HNF1A):c.1265T>C; NM_000545.8(HNF1A):c.1265T>C; c.1265T>C, p.Leu422Pro (NM_001306179.2); short protein forms L422P.
Identifiers: ClinVar variation 36797 (VCV000036797.7), dbSNP rs193922577, ClinGen allele CA214258.